The following is an entry in ClinVar:

NM_001136271.3(NKX2-6):c.114G>C (p.Pro38=)

Gene: NKX2-6 (NK2 homeobox 6; minus strand). Cytogenetic location: 8p21.2.
Variant type: single nucleotide variant.
Coding change: c.114G>C on transcript NM_001136271.3 (MANE Select); coding-DNA position 114, G replaced by C.
Protein change: p.Pro38=; no amino-acid change (proline 38 retained).
Molecular consequence: synonymous variant.
Genome position (GRCh38, 1-based): chr8:23,706,485, C>G on the plus strand (G>C on the coding strand, the complement: NKX2-6 is on the minus strand). VCF-style: chr8-23706485-C-G. GRCh37 (hg19) VCF-style: chr8-23563998-C-G.
Identifiers: ClinVar variation 4997832 (VCV004997832.1).
Genomic context (GRCh38, chr8:23,706,485, plus strand): 5'-AGCGTTGTGAACCTCTGACCCTCGCGGCTCTGCGTCCATTCTCAGGTACTGAAAGTTTTC[C>G]GGGCTCTTCCGCACCCGCGGATGTGGCGAAGCCGCGGGGCAGCTCCGCTCGCGCTCCAGT-3'
Protein context (NP_001129743.2, residues 28-48): ASPHPRVRKS[Pro38=]ENFQYLRMDA

ClinVar aggregate classification (germline): Likely benign (1 of 4 stars; one submission).

Conditions:
NKX2-6-related disorder. Also called: NKX2-6-related condition.

Submission:

PreventionGenetics, part of Exact Sciences
Classification: Likely benign for NKX2-6-related condition. Last evaluated: 2025-08-15. Review status: criteria provided, single submitter. Criteria: ACMG Guidelines, 2015. Collection method: clinical testing. Allele origin: germline.
Comment: This variant is classified as likely benign based on ACMG/AMP sequence variant interpretation guidelines (Richards et al. 2015 PMID: 25741868, with internal and published modifications).